The following is an entry in ClinVar:

NM_000083.3(CLCN1):c.2528T>C (p.Leu843Pro)

Gene: CLCN1 (chloride voltage-gated channel 1; plus strand). Cytogenetic location: 7q34.
Variant type: single nucleotide variant.
Coding change: c.2528T>C on transcript NM_000083.3 (MANE Select); coding-DNA position 2528, T replaced by C.
Protein change: p.Leu843Pro; replaces leucine 843 with proline.
Molecular consequence: missense variant. On other transcripts: non-coding transcript variant (1).
Genome position (GRCh38, 1-based): chr7:143,350,587, T>C. VCF-style: chr7-143350587-T-C. GRCh37 (hg19) VCF-style: chr7-143047680-T-C.
Other names: c.2528T>C (NM_000083.2); short protein forms L843P.
Identifiers: ClinVar variation 624305 (VCV000624305.51), dbSNP rs1563090141, ClinGen allele CA369653163.

ClinVar aggregate classification (germline): Conflicting classifications of pathogenicity. Review status: criteria provided, conflicting classifications (1 of 4 stars). 4 submissions from 4 submitters: Likely pathogenic (2); Uncertain significance (1). 1 of the submissions does not count toward it. Last evaluated 2026-04-20.

Conditions:
Congenital myotonia, autosomal recessive form. Also called: myotonia congenita, autosomal recessive; BECKER DISEASE; Becker Generalized Myotonia. Identifiers: Orphanet 614, MedGen C0751360, MONDO:0009715, OMIM 255700.
Congenital myotonia, autosomal dominant form (THD). Also called: THOMSEN DISEASE; Myotonia congenita autosomal dominant. Identifiers: Orphanet 614, MedGen C2936781, MONDO:0008055, OMIM 160800.
Tip-toe gait. Also called: Toe walking. Identifiers: MedGen C0427144, HP:0030051.

Submissions (4):

GeneDx
Classification: Uncertain significance. Last evaluated: 2026-04-20. Review status: criteria provided, single submitter. Criteria: GeneDx Variant Classification Process June 2021. Collection method: clinical testing. Allele origin: germline.
Comment: Not observed at significant frequency in large population cohorts (gnomAD); In silico analysis supports that this missense variant has a deleterious effect on protein structure/function; This variant is associated with the following publications: (PMID: 27300293, 33573884, 38270354)

Labcorp Genetics (formerly Invitae), Labcorp
Classification: Likely pathogenic for Congenital myotonia, autosomal recessive form; Congenital myotonia, autosomal dominant form. Last evaluated: 2025-12-24. Review status: criteria provided, single submitter. Criteria: Invitae Variant Classification Sherloc (09022015). Collection method: clinical testing. Allele origin: germline.
Comment: This sequence change replaces leucine, which is neutral and non-polar, with proline, which is neutral and non-polar, at codon 843 of the CLCN1 protein (p.Leu843Pro). This variant is not present in population databases (gnomAD no frequency). This missense change has been observed in individuals with clinical features of autosomal dominant myotonia congenita (PMID: 27300293; internal data). This variant has been reported in individual(s) with autosomal recessive myotonia congenita (PMID: 33573884; internal data); however, the role of the variant in this condition is currently unclear. ClinVar contains an entry for this variant (Variation ID: 624305). Invitae Evidence Modeling of protein sequence and biophysical properties (such as structural, functional, and spatial information, amino acid conservation, physicochemical variation, residue mobility, and thermodynamic stability) has been performed for this missense variant. However, the output from this modeling did not meet the statistical confidence thresholds required to predict the impact of this variant on CLCN1 protein function. This variant disrupts the p.Leu843 amino acid residue in CLCN1. Other variant(s) that disrupt this residue have been observed in individuals with CLCN1-related conditions (PMID: 35350395), which suggests that this may be a clinically significant amino acid residue. In summary, the currently available evidence indicates that the variant is pathogenic, but additional data are needed to prove that conclusively. Therefore, this variant has been classified as Likely Pathogenic.

CeGaT Center for Human Genetics Tuebingen
Classification: Likely pathogenic. Last evaluated: 2024-07-01. Review status: criteria provided, single submitter. Criteria: CeGaT Center For Human Genetics Tuebingen Variant Classification Criteria Version 2. Collection method: clinical testing. Allele origin: germline. Affected: yes. Observed: 2 variant alleles.
Comment: CLCN1: PM3:Strong, PM2, PM5, PP3

Practice for Gait Abnormalities, David Pomarino, Competency Network Toe Walking C/o Practice Pomarino
Classification: Likely pathogenic for Tip-toe gait. Last evaluated: 2021-10-08. Review status: no assertion criteria provided. Collection method: clinical testing. Allele origin: germline. Affected: yes. Not counted in ClinVar's aggregate classification.
Comment: Myopathy refers to diseases that affect skeletal Muscles. These diseases attack muscle fibers, making muscles weak. Inherited myopathies are often caused by inheriting an abnormal gene mutation from a parent that causes the disease. Symptoms of congenital myopathies usually start at birth or in early childhood, but may not appear until the teen years or even later in adulthood. Congenital myopathies are somewhat unique compared with other inherited myopathies, as weakness typically affects all muscles and is often not progressive. Symptoms are: Muscle weakness, most commonly of upper arms and shoulders and thighs, muscle cramps, stiffness and spasms, fatigue with exertion and lack of energy. Our patients all walk on tiptoe, so they show similar symptoms. When we genetically test them with our toe walking panel, we find that around 90 per cent of them have a genetic variant that explains their toe walking. These can be assigned, for example, to the area of myopathies (such as variants of the COL6A3 gene), the area of hereditary neuropathies (such as variants of the KMT2C gene) or the area of metabolic diseases (such as variants of the PYGM gene). In a smaller group of patients with almost identical symptoms, no abnormality is found in the genes of our panel, but spastic paraplegia can be detected. In another small group of our toe walkers, no abnormalities can be detected in the genes analysed in our toe walking panel, nor do they suffer from spastic paraplegia, as is also the case with healthy children. In contrast to these, however, they show a tiptoe gait. These patients suffer from infantile cerebral palsy, in which toe walking can also be observed.

Literature cited by the submitters: PubMed 27300293 (cited by Labcorp Genetics (formerly Invitae), Labcorp); PubMed 33573884 (cited by Labcorp Genetics (formerly Invitae), Labcorp); PubMed 35350395 (cited by Labcorp Genetics (formerly Invitae), Labcorp); PubMed 37091313 (cited by Practice for Gait Abnormalities, David Pomarino, Competency Network Toe Walking C/o Practice Pomarino).